The following is an entry in ClinVar:

ClinVar aggregate classification (germline): Uncertain significance. Review status: criteria provided, multiple submitters, no conflicts (2 of 4 stars). 2 submissions from 2 submitters: Uncertain significance (2). Last evaluated 2026-01-17.

Conditions:
Epidermolysis bullosa simplex 5B, with muscular dystrophy (EBS5B). Also called: EPIDERMOLYSIS BULLOSA SIMPLEX AND LIMB-GIRDLE MUSCULAR DYSTROPHY; Epidermolysis bullosa simplex with muscular dystrophy. Identifiers: Orphanet 257, MedGen C2931072, MONDO:0009181, OMIM 226670.
Epidermolysis bullosa simplex with nail dystrophy (EBS5D). Identifiers: MedGen C4225309, MONDO:0014661, OMIM 616487.
Epidermolysis bullosa simplex 5C, with pyloric atresia (EBS5C). Also called: PLEC-Related Epidermolysis Bullosa with Pyloric Atresia; Epidermolysis bullosa simplex with pyloric atresia; PLEC1-Related Epidermolysis Bullosa with Pyloric Atresia. Identifiers: Orphanet 158684, MedGen C2677349, MONDO:0012807, OMIM 612138.
Autosomal recessive limb-girdle muscular dystrophy type 2Q (LGMDR17). Also called: MUSCULAR DYSTROPHY, LIMB-GIRDLE, AUTOSOMAL RECESSIVE 17. Identifiers: Orphanet 254361, MedGen C3150989, MONDO:0013390, OMIM 613723.
Epidermolysis bullosa simplex, Ogna type (EBS5A). Also called: EPIDERMOLYSIS BULLOSA SIMPLEX 5A, OGNA TYPE; Pidermolysis bullosa simplex 5A, Ogna type. Identifiers: Orphanet 79401, MedGen C0432317, MONDO:0007555, OMIM 131950.

Allele frequency attached by ClinVar (database versions not stated): gnomAD 0.00001; TOPMed 0.00001; gnomAD exomes 0.00002; ExAC 0.00003.
gnomAD v4.1: 24 of 1,611,304 alleles (0.0015%); highest among the groups gnomAD compares: South Asian, 0.016%; no homozygotes.

Submissions (2):

Labcorp Genetics (formerly Invitae), Labcorp
Classification: Uncertain significance for Autosomal recessive limb-girdle muscular dystrophy type 2Q; Epidermolysis bullosa simplex, Ogna type; Epidermolysis bullosa simplex with nail dystrophy; Epidermolysis bullosa simplex 5C, with pyloric atresia; Epidermolysis bullosa simplex 5B, with muscular dystrophy. Last evaluated: 2026-01-17. Review status: criteria provided, single submitter. Criteria: Invitae Variant Classification Sherloc (09022015). Collection method: clinical testing. Allele origin: germline.
Comment: This sequence change replaces methionine, which is neutral and non-polar, with threonine, which is neutral and polar, at codon 3612 of the PLEC protein (p.Met3612Thr). This variant is present in population databases (rs782526167, gnomAD 0.02%). This variant has not been reported in the literature in individuals affected with PLEC-related conditions. ClinVar contains an entry for this variant (Variation ID: 2434979). An algorithm developed to predict the effect of missense changes on protein structure and function (PolyPhen-2) suggests that this variant is likely to be tolerated. In summary, the available evidence is currently insufficient to determine the role of this variant in disease. Therefore, it has been classified as a Variant of Uncertain Significance.

Revvity Omics, Revvity
Classification: Uncertain significance. Last evaluated: 2022-03-16. Review status: criteria provided, single submitter. Criteria: ACMG Guidelines, 2015. Collection method: clinical testing. Allele origin: germline.

NM_201384.3(PLEC):c.10754T>C (p.Met3585Thr)

Gene: PLEC (plectin; minus strand). Cytogenetic location: 8q24.3.
Variant type: single nucleotide variant.
Coding change: c.10754T>C on transcript NM_201384.3 (MANE Select); coding-DNA position 10754, T replaced by C.
Protein change: p.Met3585Thr; replaces methionine 3585 with threonine.
Molecular consequence: missense variant.
Genome position (GRCh38, 1-based): chr8:143,919,067, A>G on the plus strand (T>C on the coding strand, the complement: PLEC is on the minus strand). VCF-style: chr8-143919067-A-G. GRCh37 (hg19) VCF-style: chr8-144993235-A-G.
Other names: c.10835T>C, p.Met3612Thr (NM_000445.5); c.7454T>C, p.Met2485Thr (NM_001410941.1); c.10712T>C, p.Met3571Thr (NM_201378.4); c.10688T>C, p.Met3563Thr (NM_201379.3); c.11165T>C, p.Met3722Thr (NM_201380.4); c.10658T>C, p.Met3553Thr (NM_201381.3); c.10754T>C, p.Met3585Thr (NM_201382.4); c.10766T>C, p.Met3589Thr (NM_201383.3); short protein forms M2485T, M3553T, M3563T, M3571T, M3585T, M3589T, M3612T, M3722T.
Identifiers: ClinVar variation 2434979 (VCV002434979.4), dbSNP rs782526167, ClinGen allele CA4924542.